The following is an entry in ClinVar:

ClinVar aggregate classification (germline): Uncertain significance. Review status: criteria provided, multiple submitters, no conflicts (2 of 4 stars). 2 submissions from 2 submitters: Uncertain significance (2). Last evaluated 2024-01-04.

Conditions:
Inborn genetic diseases. Identifiers: MedGen C0950123, MeSH D030342.

Allele frequency attached by ClinVar (database versions not stated): ExAC 0.00004; gnomAD exomes 0.00004 and 0.00010; TOPMed 0.00006; gnomAD 0.00007.
gnomAD v4.1: 159 of 1,607,412 alleles (0.0099%); highest among the groups gnomAD compares: Non-Finnish European, 0.013%; no homozygotes.

Submissions (2):

Labcorp Genetics (formerly Invitae), Labcorp
Classification: Uncertain significance. Last evaluated: 2024-01-04. Review status: criteria provided, single submitter. Criteria: Invitae Variant Classification Sherloc (09022015). Collection method: clinical testing. Allele origin: germline.
Comment: This sequence change replaces arginine, which is basic and polar, with histidine, which is basic and polar, at codon 207 of the PEPD protein (p.Arg207His). This variant is present in population databases (rs760791817, gnomAD 0.009%). This variant has not been reported in the literature in individuals affected with PEPD-related conditions. ClinVar contains an entry for this variant (Variation ID: 1371358). Advanced modeling of protein sequence and biophysical properties (such as structural, functional, and spatial information, amino acid conservation, physicochemical variation, residue mobility, and thermodynamic stability) performed at Invitae indicates that this missense variant is not expected to disrupt PEPD protein function with a negative predictive value of 80%. In summary, the available evidence is currently insufficient to determine the role of this variant in disease. Therefore, it has been classified as a Variant of Uncertain Significance.

Ambry Genetics
Classification: Uncertain significance for Inborn genetic diseases. Last evaluated: 2022-07-08. Review status: criteria provided, single submitter. Criteria: Ambry Variant Classification Scheme 2023. Collection method: clinical testing. Allele origin: germline.

NM_000285.4(PEPD):c.620G>A (p.Arg207His)

Gene: PEPD (peptidase D; minus strand). Cytogenetic location: 19q13.11.
Variant type: single nucleotide variant.
Coding change: c.620G>A on transcript NM_000285.4 (MANE Select); coding-DNA position 620, G replaced by A.
Protein change: p.Arg207His; replaces arginine 207 with histidine.
Molecular consequence: missense variant. On other transcripts: intron variant (1).
Genome position (GRCh38, 1-based): chr19:33,463,991, C>T on the plus strand (G>A on the coding strand, the complement: PEPD is on the minus strand). VCF-style: chr19-33463991-C-T. GRCh37 (hg19) VCF-style: chr19-33954897-C-T.
Other names: c.428G>A, p.Arg143His (NM_001166057.2); c.548+14055G>A (NM_001166056.2); c.620G>A (NM_000285.3); short protein forms R207H, R143H.
Identifiers: ClinVar variation 1371358 (VCV001371358.5), dbSNP rs760791817, ClinGen allele CA9364224.